The following is an entry in ClinVar:

NM_002386.4(MC1R):c.96_102del (p.Arg34fs)

Gene: MC1R (melanocortin 1 receptor; plus strand). Cytogenetic location: 16q24.3.
Variant type: Deletion.
Coding change: c.96_102del on transcript NM_002386.4 (MANE Select); coding-DNA positions 96 to 102, 7 bases deleted (AGCCCGG; older notation c.96_102delAGCCCGG).
Protein change: p.Arg34fs; shifts the reading frame from arginine 34.
Molecular consequence: frameshift variant.
Genome position (GRCh38, 1-based): chr16:89,919,354-89,919,360, AGCCCGG deleted; deleting any 7 consecutive bases within chr16:89,919,352-89,919,360 gives the same sequence; the c. name uses the placement nearest the transcript's 3' end. VCF-style (leftmost placement, unchanged base first): chr16-89919351-AGGAGCCC-A. GRCh37 (hg19) VCF-style: chr16-89985759-AGGAGCCC-A.
Other names: short protein forms R34fs.
Identifiers: ClinVar variation 2029990 (VCV002029990.4), dbSNP rs2544608667, ClinGen allele CA2580092412.
Genomic context (GRCh38, chr16:89,919,351, plus strand): 5'-GGGCTCCCTCAACTCCACCCCCACAGCCATCCCCCAGCTGGGGCTGGCTGCCAACCAGAC[AGGAGCCC>A]GGTGCCTGGAGGTGTCCATCTCTGACGGGCTCTTCCTCAGCCTGGGGCTGGTGAGCTTGG-3'

ClinVar aggregate classification (germline): Uncertain significance (1 of 4 stars; one submission).

Conditions:
Melanoma, cutaneous malignant, susceptibility to, 5. Also called: Cutaneous malignant melanoma 5. Identifiers: Orphanet 618, MedGen C2751295, MONDO:0013133, OMIM 613099.

Submission:

Labcorp Genetics (formerly Invitae), Labcorp
Classification: Uncertain significance for Melanoma, cutaneous malignant, susceptibility to, 5. Last evaluated: 2022-09-10. Review status: criteria provided, single submitter. Criteria: Invitae Variant Classification Sherloc (09022015). Collection method: clinical testing. Allele origin: germline.
Comment: In summary, the available evidence is currently insufficient to determine the role of this variant in disease. Therefore, it has been classified as a Variant of Uncertain Significance. This sequence change creates a premature translational stop signal (p.Arg34Trpfs*16) in the MC1R gene. While this is not anticipated to result in nonsense mediated decay, it is expected to disrupt the last 284 amino acid(s) of the MC1R protein. This variant is not present in population databases (gnomAD no frequency). This variant has not been reported in the literature in individuals affected with MC1R-related conditions. Experimental studies and prediction algorithms are not available or were not evaluated, and the functional significance of this variant is currently unknown.